The following is an entry in ClinVar:

ClinVar aggregate classification (germline): Uncertain significance (1 of 4 stars; one submission).

Conditions:
Hereditary spastic paraplegia 4. Also called: Spastic paraplegia 4, autosomal dominant; Familial spastic paraplegia autosomal dominant 2; Spastic Paraplegia 4. Identifiers: Orphanet 100985, MedGen C1866855, MONDO:0008438, OMIM 182601.

Submission:

Labcorp Genetics (formerly Invitae), Labcorp
Classification: Uncertain significance for Hereditary spastic paraplegia 4. Last evaluated: 2019-01-20. Review status: criteria provided, single submitter. Criteria: Invitae Variant Classification Sherloc (09022015). Collection method: clinical testing. Allele origin: germline.
Comment: In summary, the available evidence is currently insufficient to determine the role of this variant in disease. Therefore, it has been classified as a Variant of Uncertain Significance. Algorithms developed to predict the effect of missense changes on protein structure and function (SIFT, PolyPhen-2, Align-GVGD) all suggest that this variant is likely to be tolerated, but these predictions have not been confirmed by published functional studies and their clinical significance is uncertain. This variant has not been reported in the literature in individuals with SPAST-related conditions. This variant is not present in population databases (ExAC no frequency). This sequence change replaces valine with leucine at codon 496 of the SPAST protein (p.Val496Leu). The valine residue is highly conserved and there is a small physicochemical difference between valine and leucine.

NM_014946.4(SPAST):c.1486G>C (p.Val496Leu)

Gene: SPAST (spastin; plus strand). Cytogenetic location: 2p22.3.
Variant type: single nucleotide variant.
Coding change: c.1486G>C on transcript NM_014946.4 (MANE Select); coding-DNA position 1486, G replaced by C.
Protein change: p.Val496Leu; replaces valine 496 with leucine.
Molecular consequence: missense variant.
Genome position (GRCh38, 1-based): chr2:32,137,181, G>C. VCF-style: chr2-32137181-G-C. GRCh37 (hg19) VCF-style: chr2-32362250-G-C.
Other names: c.1483G>C, p.Val495Leu (NM_001363823.2); c.1387G>C, p.Val463Leu (NM_001363875.2); c.1390G>C, p.Val464Leu (NM_001377959.1, NM_199436.2); short protein forms V496L, V463L, V464L, V495L.
Identifiers: ClinVar variation 839273 (VCV000839273.9), dbSNP rs779662872, ClinGen allele CA346502535.
Genomic context (GRCh38, chr2:32,137,181, plus strand): 5'-GGAGATGACAGAGTACTTGTAATGGGTGCAACTAATAGGCCACAAGAGCTTGATGAGGCT[G>C]TTCTCAGGTAGGGAGATTTATATGGAAATACATGCATTTATTACAGACAATATTTACTCA-3'
Protein context (NP_055761.2, residues 486-506): TNRPQELDEA[Val496Leu]LRRFIKRVYV